The following is an entry in ClinVar:

ClinVar aggregate classification (germline): Likely benign (0 of 4 stars; one submission).

Conditions:
PYGL-related disorder. Also called: PYGL-related condition.

Allele frequency attached by ClinVar (database versions not stated): TOPMed below 0.00001; ExAC 0.00001; gnomAD 0.00001.
gnomAD v4.1: 1 of 1,613,724 alleles (0.000062%); highest among the groups gnomAD compares: East Asian, 0.0022%; no homozygotes.

Submission:

PreventionGenetics, part of Exact Sciences
Classification: Likely benign for PYGL-related condition. Last evaluated: 2019-08-07. Review status: no assertion criteria provided. Collection method: clinical testing. Allele origin: germline.
Comment: This variant is classified as likely benign based on ACMG/AMP sequence variant interpretation guidelines (Richards et al. 2015 PMID: 25741868, with internal and published modifications).

NM_002863.5(PYGL):c.1869G>C (p.Leu623=)

Gene: PYGL (glycogen phosphorylase L; minus strand). Cytogenetic location: 14q22.1.
Variant type: single nucleotide variant.
Coding change: c.1869G>C on transcript NM_002863.5 (MANE Select); coding-DNA position 1869, G replaced by C.
Protein change: p.Leu623=; no amino-acid change (leucine 623 retained).
Molecular consequence: synonymous variant.
Genome position (GRCh38, 1-based): chr14:50,911,830, C>G on the plus strand (G>C on the coding strand, the complement: PYGL is on the minus strand). VCF-style: chr14-50911830-C-G. GRCh37 (hg19) VCF-style: chr14-51378548-C-G.
Other names: c.1767G>C, p.Leu589= (NM_001163940.2).
Identifiers: ClinVar variation 3056555 (VCV003056555.2), dbSNP rs745556673, ClinGen allele CA7183299.